The following is an entry in ClinVar:

NM_199355.4(ADAMTS18):c.803A>T (p.Asp268Val)

Gene: ADAMTS18 (ADAM metallopeptidase with thrombospondin type 1 motif 18; minus strand). Cytogenetic location: 16q23.1.
Variant type: single nucleotide variant.
Coding change: c.803A>T on transcript NM_199355.4 (MANE Select); coding-DNA position 803, A replaced by T.
Protein change: p.Asp268Val; replaces aspartic acid 268 with valine.
Molecular consequence: missense variant.
Genome position (GRCh38, 1-based): chr16:77,364,357, T>A on the plus strand (A>T on the coding strand, the complement: ADAMTS18 is on the minus strand). VCF-style: chr16-77364357-T-A. GRCh37 (hg19) VCF-style: chr16-77398254-T-A.
Other names: c.287A>T, p.Asp96Val (NM_001326358.2); short protein forms D96V, D268V.
Identifiers: ClinVar variation 1470089 (VCV001470089.6), dbSNP rs930930639, ClinGen allele CA284437979.

ClinVar aggregate classification (germline): Uncertain significance (1 of 4 stars; one submission).

Allele frequency attached by ClinVar (database versions not stated): gnomAD exomes below 0.00001; TOPMed below 0.00001.
gnomAD v4.1: 1 of 1,613,766 alleles (0.000062%); highest among the groups gnomAD compares: Non-Finnish European, 0.000085%; no homozygotes.

Submission:

Labcorp Genetics (formerly Invitae), Labcorp
Classification: Uncertain significance. Last evaluated: 2021-08-29. Review status: criteria provided, single submitter. Criteria: Invitae Variant Classification Sherloc (09022015). Collection method: clinical testing. Allele origin: germline.
Comment: This sequence change replaces aspartic acid with valine at codon 268 of the ADAMTS18 protein (p.Asp268Val). The aspartic acid residue is moderately conserved and there is a large physicochemical difference between aspartic acid and valine. In summary, the available evidence is currently insufficient to determine the role of this variant in disease. Therefore, it has been classified as a Variant of Uncertain Significance. Algorithms developed to predict the effect of missense changes on protein structure and function are either unavailable or do not agree on the potential impact of this missense change (SIFT: "Not Available"; PolyPhen-2: "Possibly Damaging"; Align-GVGD: "Not Available"). This variant has not been reported in the literature in individuals affected with ADAMTS18-related conditions. This variant is not present in population databases (ExAC no frequency).